The following is an entry in ClinVar:

NM_006979.3(SLC39A7):c.1238G>A (p.Gly413Asp)

Gene: SLC39A7 (solute carrier family 39 member 7; plus strand). Cytogenetic location: 6p21.32.
Variant type: single nucleotide variant.
Coding change: c.1238G>A on transcript NM_006979.3 (MANE Select); coding-DNA position 1238, G replaced by A.
Protein change: p.Gly413Asp; replaces glycine 413 with aspartic acid.
Molecular consequence: missense variant.
Genome position (GRCh38, 1-based): chr6:33,203,641, G>A. VCF-style: chr6-33203641-G-A. GRCh37 (hg19) VCF-style: chr6-33171418-G-A.
Other names: c.1238G>A, p.Gly413Asp (NM_001077516.2); c.863G>A, p.Gly288Asp (NM_001288777.2); short protein forms G288D, G413D.
Identifiers: ClinVar variation 4807422 (VCV004807422.1).
Genomic context (GRCh38, chr6:33,203,641, plus strand): 5'-CAGGCACAGCCTGTGCCCTTCTCACTGAAGGAGGAGCAGTGGGCAGTGAAATTGCAGGTG[G>A]TGCAGGTCCTGGCTGGGTCCTGCCATTTACTGCAGGTGGCTTTATCTACGTAGCAACAGT-3'
Protein context (NP_008910.2, residues 403-423): GGAVGSEIAG[Gly413Asp]AGPGWVLPFT

ClinVar aggregate classification (germline): Uncertain significance (1 of 4 stars; one submission).

gnomAD v4.1: 2 of 1,614,248 alleles (0.00012%); highest among the groups gnomAD compares: Non-Finnish European, 0.00017%; no homozygotes.

Submission:

Labcorp Genetics (formerly Invitae), Labcorp
Classification: Uncertain significance. Last evaluated: 2025-11-23. Review status: criteria provided, single submitter. Criteria: Invitae Variant Classification Sherloc (09022015). Collection method: clinical testing. Allele origin: germline.
Comment: This sequence change replaces glycine, which is neutral and non-polar, with aspartic acid, which is acidic and polar, at codon 413 of the SLC39A7 protein (p.Gly413Asp). This variant is present in population databases (rs772917856, gnomAD 0.0009%). This variant has not been reported in the literature in individuals affected with SLC39A7-related conditions. An algorithm developed to predict the effect of missense changes on protein structure and function (PolyPhen-2) suggests that this variant is likely to be tolerated. Algorithms developed to predict the effect of sequence changes on RNA splicing suggest that this variant may create or strengthen a splice site. In summary, the available evidence is currently insufficient to determine the role of this variant in disease. Therefore, it has been classified as a Variant of Uncertain Significance.